The following is an entry in ClinVar:

NM_000429.3(MAT1A):c.257C>T (p.Thr86Ile)

Gene: MAT1A (methionine adenosyltransferase 1A; minus strand). Cytogenetic location: 10q22.3.
Variant type: single nucleotide variant.
Coding change: c.257C>T on transcript NM_000429.3 (MANE Select); coding-DNA position 257, C replaced by T.
Protein change: p.Thr86Ile; replaces threonine 86 with isoleucine.
Molecular consequence: missense variant.
Genome position (GRCh38, 1-based): chr10:80,283,951, G>A on the plus strand (C>T on the coding strand, the complement: MAT1A is on the minus strand). VCF-style: chr10-80283951-G-A. GRCh37 (hg19) VCF-style: chr10-82043707-G-A.
Other names: short protein forms T86I.
Identifiers: ClinVar variation 2260462 (VCV002260462.4), dbSNP rs1371341814, ClinGen allele CA377363473.

ClinVar aggregate classification (germline): Uncertain significance. Review status: criteria provided, multiple submitters, no conflicts (2 of 4 stars). 2 submissions from 2 submitters: Uncertain significance (2). Last evaluated 2025-08-22.

Conditions:
Hepatic methionine adenosyltransferase deficiency. Also called: MAT I/III DEFICIENCY; Deficiency of methionine adenosyltransferase; Isolated Persistent Hypermethioninemia; Methionine adenosyltransferase deficiency. Identifiers: Orphanet 168598, MedGen C0268621, MeSH C564683, MONDO:0009607, OMIM 250850.
Inborn genetic diseases. Identifiers: MedGen C0950123, MeSH D030342.

gnomAD v4.1: 7 of 1,614,216 alleles (0.00043%); highest among the groups gnomAD compares: East Asian, 0.0022%; no homozygotes.

Submissions (2):

Ambry Genetics
Classification: Uncertain significance for Inborn genetic diseases. Last evaluated: 2025-08-22. Review status: criteria provided, single submitter. Criteria: Ambry Variant Classification Scheme 2023. Collection method: clinical testing. Allele origin: germline.

Juno Genomics, Hangzhou Juno Genomics, Inc
Classification: Uncertain significance for Hepatic methionine adenosyltransferase deficiency. Review status: criteria provided, single submitter. Criteria: ACMG Guidelines, 2015. Collection method: clinical testing. Allele origin: germline. Affected: yes.
Comment: Absent from controls (or at extremely low frequency if recessive) in Genome Aggregation Database, Exome Sequencing Project, 1000 Genomes Project, or Exome Aggregation Consortium.;Multiple lines of computational evidence support a deleterious effect on the gene or gene product (conservation, evolutionary, splicing impact, etc).;Patient's phenotype or family history is highly specific for a disease with a single genetic etiology.